The following is an entry in ClinVar:

NM_001040142.2(SCN2A):c.1711C>T (p.Arg571Cys)

Gene: SCN2A (sodium voltage-gated channel alpha subunit 2; plus strand). Cytogenetic location: 2q24.3.
Variant type: single nucleotide variant.
Coding change: c.1711C>T on transcript NM_001040142.2 (MANE Select); coding-DNA position 1711, C replaced by T.
Protein change: p.Arg571Cys; replaces arginine 571 with cysteine.
Molecular consequence: missense variant.
Genome position (GRCh38, 1-based): chr2:165,323,195, C>T. VCF-style: chr2-165323195-C-T. GRCh37 (hg19) VCF-style: chr2-166179705-C-T.
Other names: c.1711C>T, p.Arg571Cys (NM_001040143.2, NM_001371246.1, NM_001371247.1 and 1 more transcripts); short protein forms R571C.
Identifiers: ClinVar variation 1318889 (VCV001318889.7), dbSNP rs750049844, ClinGen allele CA1939869.

ClinVar aggregate classification (germline): Uncertain significance. Review status: criteria provided, multiple submitters, no conflicts (2 of 4 stars). 2 submissions from 2 submitters: Uncertain significance (2). Last evaluated 2025-03-21.

Conditions:
Developmental and epileptic encephalopathy, 11 (DEE11). Also called: Early infantile epileptic encephalopathy 11. Identifiers: Orphanet 1934, MedGen C3150987, MONDO:0013388, OMIM 613721.
Seizures, benign familial infantile, 3 (BFIS3). Also called: CONVULSIONS, BENIGN FAMILIAL INFANTILE, 3; Familial neonatal seizures. Identifiers: Orphanet 140927, Orphanet 306, MedGen C1843140, MONDO:0011904, OMIM 607745.

Allele frequency attached by ClinVar (database versions not stated): gnomAD 0.00001; ExAC 0.00002; gnomAD exomes 0.00002; TOPMed 0.00002.
gnomAD v4.1: 24 of 1,614,068 alleles (0.0015%); highest among the groups gnomAD compares: East Asian, 0.0067%; no homozygotes.

Submissions (2):

GeneDx
Classification: Uncertain significance. Last evaluated: 2025-03-21. Review status: criteria provided, single submitter. Criteria: GeneDx Variant Classification Process June 2021. Collection method: clinical testing. Allele origin: germline. Affected: yes.
Comment: In silico analysis supports that this missense variant has a deleterious effect on protein structure/function; This substitution is predicted to be in the cytoplasmic loop between the first and second homologous domains; Has not been previously published as pathogenic or benign to our knowledge

Labcorp Genetics (formerly Invitae), Labcorp
Classification: Uncertain significance for Seizures, benign familial infantile, 3; Developmental and epileptic encephalopathy, 11. Last evaluated: 2023-07-10. Review status: criteria provided, single submitter. Criteria: Invitae Variant Classification Sherloc (09022015). Collection method: clinical testing. Allele origin: germline.
Comment: ClinVar contains an entry for this variant (Variation ID: 1318889). This variant has not been reported in the literature in individuals affected with SCN2A-related conditions. This variant is present in population databases (rs750049844, gnomAD 0.01%). This sequence change replaces arginine, which is basic and polar, with cysteine, which is neutral and slightly polar, at codon 571 of the SCN2A protein (p.Arg571Cys). Advanced modeling of protein sequence and biophysical properties (such as structural, functional, and spatial information, amino acid conservation, physicochemical variation, residue mobility, and thermodynamic stability) performed at Invitae indicates that this missense variant is expected to disrupt SCN2A protein function. In summary, the available evidence is currently insufficient to determine the role of this variant in disease. Therefore, it has been classified as a Variant of Uncertain Significance.